The following is an entry in ClinVar:

ClinVar aggregate classification (germline): Likely pathogenic (1 of 4 stars; one submission).

Conditions:
Hypomyelination and Congenital Cataract (HLD5). Also called: hypomyelinating leukodystrophy 5. Identifiers: Orphanet 85163, MedGen C1864663, MONDO:0012514, OMIM 610532.

Submission:

3billion
Classification: Likely pathogenic for Hypomyelination and Congenital Cataract. Last evaluated: 2024-11-01. Review status: criteria provided, single submitter. Criteria: ACMG Guidelines, 2015. Collection method: clinical testing. Allele origin: germline. Affected: yes.
Comment: The variant is not observed in the gnomAD v4.1.0 dataset. Predicted Consequence/Location: Frameshift: predicted to result in a loss or disruption of normal protein function through protein truncation. The predicted truncated protein may be shortened by more than 10%. Therefore, this variant is classified as Likely pathogenic according to the recommendation of ACMG/AMP guideline.

NM_032581.4(HYCC1):c.1176del (p.Glu393fs)

Gene: HYCC1 (hyccin PI4KA lipid kinase complex subunit 1; minus strand). Cytogenetic location: 7p15.3.
Variant type: Deletion.
Coding change: c.1176del on transcript NM_032581.4 (MANE Select); coding-DNA position 1176, one base deleted (A; older notation c.1176delA).
Protein change: p.Glu393fs; shifts the reading frame from glutamic acid 393.
Molecular consequence: frameshift variant. On other transcripts: 3 prime UTR variant (2).
Genome position (GRCh38, 1-based): chr7:22,945,979, T deleted on the plus strand (A on the coding strand, the reverse complement: HYCC1 is on the minus strand); the first of 4 consecutive T bases (chr7:22,945,979-22,945,982); deleting any one gives the same sequence. VCF-style (leftmost placement, unchanged base first): chr7-22945978-CT-C. GRCh37 (hg19) VCF-style: chr7-22985597-CT-C.
Other names: c.*212del (NM_001363466.2); c.*170del (NM_001363467.2); short protein forms E393fs.
Identifiers: ClinVar variation 4293621 (VCV004293621.1).